The following is an entry in ClinVar:

ClinVar aggregate classification (germline): Conflicting classifications of pathogenicity. Review status: criteria provided, conflicting classifications (1 of 4 stars). 3 submissions from 3 submitters: Pathogenic (1); Uncertain significance (1). 1 of the submissions does not count toward it. Last evaluated 2024-04-10.

Conditions:
FDXR-related disorder. Also called: FDXR-related condition; FDXR-related disorders.
Auditory neuropathy-optic atrophy syndrome. Also called: MULTIPLE MITOCHONDRIAL DYSFUNCTIONS SYNDROME 9A; AUDITORY NEUROPATHY AND OPTIC ATROPHY. Identifiers: Orphanet 542585, MedGen C4521678, MONDO:0060582, OMIM 617717.

Allele frequency attached by ClinVar (database versions not stated): TOPMed below 0.00001.

Submissions (3):

Blueprint Genetics
Classification: Pathogenic for FDXR-related disorders. Last evaluated: 2024-04-10. Review status: criteria provided, single submitter. Criteria: ACMG Guidelines, 2015. Collection method: clinical testing. Allele origin: germline. Affected: yes. Observed: 1 variant allele.

GeneDx
Classification: Uncertain significance. Last evaluated: 2023-05-11. Review status: criteria provided, single submitter. Criteria: GeneDx Variant Classification Process June 2021. Collection method: clinical testing. Allele origin: germline. Affected: yes.
Comment: Not observed at significant frequency in large population cohorts (gnomAD); In silico analysis supports that this missense variant has a deleterious effect on protein structure/function; This variant is associated with the following publications: (PMID: 30719225, 29760388, 33348459, 32311335, 33742450, 36649664, 35188226, 28965846)

OMIM
Classification: Pathogenic for AUDITORY NEUROPATHY AND OPTIC ATROPHY. Last evaluated: 2017-10-12. Review status: no assertion criteria provided. Collection method: literature only. Allele origin: germline. Not counted in ClinVar's aggregate classification.

Literature cited by the submitters: PubMed 28965846 (cited by OMIM).

NM_024417.5(FDXR):c.1429G>A (p.Glu477Lys)

Gene: FDXR (ferredoxin reductase; minus strand). Cytogenetic location: 17q25.1.
Variant type: single nucleotide variant.
Coding change: c.1429G>A on transcript NM_024417.5 (MANE Select); coding-DNA position 1429, G replaced by A.
Protein change: p.Glu477Lys; replaces glutamic acid 477 with lysine.
Molecular consequence: missense variant. On other transcripts: non-coding transcript variant (1).
Genome position (GRCh38, 1-based): chr17:74,862,864, C>T on the plus strand (G>A on the coding strand, the complement: FDXR is on the minus strand). VCF-style: chr17-74862864-C-T. GRCh37 (hg19) VCF-style: chr17-72858986-C-T.
Other names: c.1558G>A, p.Glu520Lys (NM_001258012.4); c.1522G>A, p.Glu508Lys (NM_001258013.4); c.1405G>A, p.Glu469Lys (NM_001258014.4); c.1309G>A, p.Glu437Lys (NM_001258015.3); c.1273G>A, p.Glu425Lys (NM_001258016.3); c.1447G>A, p.Glu483Lys (NM_004110.6); short protein forms E477K, E508K, E437K, E425K, E469K, E483K, E520K.
Identifiers: ClinVar variation 441240 (VCV000441240.3), dbSNP rs997026784, ClinGen allele CA293970657.